The following is an entry in ClinVar:

ClinVar aggregate classification (germline): Uncertain significance (1 of 4 stars; one submission).

Submission:

Labcorp Genetics (formerly Invitae), Labcorp
Classification: Uncertain significance. Last evaluated: 2023-10-18. Review status: criteria provided, single submitter. Criteria: Invitae Variant Classification Sherloc (09022015). Collection method: clinical testing. Allele origin: germline.
Comment: This sequence change affects codon 263 of the HYOU1 mRNA. It is a 'silent' change, meaning that it does not change the encoded amino acid sequence of the HYOU1 protein. This variant is not present in population databases (gnomAD no frequency). This variant has not been reported in the literature in individuals affected with HYOU1-related conditions. In summary, the available evidence is currently insufficient to determine the role of this variant in disease. Therefore, it has been classified as a Variant of Uncertain Significance.

NM_006389.5(HYOU1):c.789A>T (p.Gly263=)

Gene: HYOU1 (hypoxia up-regulated 1; minus strand). Cytogenetic location: 11q23.3.
Variant type: single nucleotide variant.
Coding change: c.789A>T on transcript NM_006389.5 (MANE Select); coding-DNA position 789, A replaced by T.
Protein change: p.Gly263=; no amino-acid change (glycine 263 retained).
Molecular consequence: synonymous variant.
Genome position (GRCh38, 1-based): chr11:119,054,126, T>A on the plus strand (A>T on the coding strand, the complement: HYOU1 is on the minus strand). VCF-style: chr11-119054126-T-A. GRCh37 (hg19) VCF-style: chr11-118924838-T-A.
Other names: c.789A>T, p.Gly263= (NM_001130991.3, NM_001411041.1).
Identifiers: ClinVar variation 2769951 (VCV002769951.3), dbSNP rs1459690825, ClinGen allele CA2697559018.